The following is an entry in ClinVar:

ClinVar aggregate classification (germline): Uncertain significance (1 of 4 stars; one submission).

Conditions:
Inborn genetic diseases. Identifiers: MedGen C0950123, MeSH D030342.

gnomAD v4.1: 2 of 1,595,626 alleles (0.00013%); highest among the groups gnomAD compares: South Asian, 0.0011%; no homozygotes.

Submission:

Ambry Genetics
Classification: Uncertain significance for Inborn genetic diseases. Last evaluated: 2025-07-10. Review status: criteria provided, single submitter. Criteria: Ambry Variant Classification Scheme 2023. Collection method: clinical testing. Allele origin: germline.
Comment: The p.Q48K variant (also known as c.142C>A), located in coding exon 2 of the ELANE gene, results from a C to A substitution at nucleotide position 142. The glutamine at codon 48 is replaced by lysine, an amino acid with similar properties. This amino acid position is conserved. In addition, the in silico prediction for this alteration is inconclusive. Based on the available evidence, the clinical significance of this variant remains unclear.

NM_001972.4(ELANE):c.142C>A (p.Gln48Lys)

Gene: ELANE (elastase, neutrophil expressed; plus strand). Cytogenetic location: 19p13.3.
Variant type: single nucleotide variant.
Coding change: c.142C>A on transcript NM_001972.4 (MANE Select); coding-DNA position 142, C replaced by A.
Protein change: p.Gln48Lys; replaces glutamine 48 with lysine.
Molecular consequence: missense variant.
Genome position (GRCh38, 1-based): chr19:852,950, C>A. VCF-style: chr19-852950-C-A. GRCh37 (hg19) VCF-style: chr19-852950-C-A.
Other names: short protein forms Q48K.
Identifiers: ClinVar variation 4248064 (VCV004248064.1).